The following is an entry in ClinVar:

NM_001042492.3(NF1):c.3237del (p.Leu1079_Leu1080insTer)

Gene: NF1 (neurofibromin 1; plus strand). Cytogenetic location: 17q11.2.
Variant type: Deletion.
Coding change: c.3237del on transcript NM_001042492.3 (MANE Select); coding-DNA position 3237, one base deleted (T; older notation c.3237delT).
Protein change: p.Leu1079_Leu1080insTer.
Molecular consequence: frameshift variant. On other transcripts: nonsense (1).
Genome position (GRCh38, 1-based): chr17:31,232,112, T deleted; the last of 2 consecutive T bases (chr17:31,232,111-31,232,112); deleting either gives the same sequence. VCF-style (leftmost placement, unchanged base first): chr17-31232110-CT-C. GRCh37 (hg19) VCF-style: chr17-29559128-CT-C.
Other names: c.3237delT, p.Leu1080Terfs (NM_000267.3); c.3237del, p.Leu1079_Leu1080insTer (NM_000267.4).
Identifiers: ClinVar variation 4532912 (VCV004532912.1).

ClinVar aggregate classification (germline): Likely pathogenic (1 of 4 stars; one submission).

Submission:

Quest Diagnostics Nichols Institute San Juan Capistrano
Classification: Likely pathogenic. Last evaluated: 2025-05-22. Review status: criteria provided, single submitter. Criteria: Quest Diagnostics criteria. Collection method: clinical testing. Allele origin: unknown.
Comment: The NF1 c.3237del (p.Leu1080*) variant is predicted to cause the premature termination of NF1 protein synthesis. To the best of our knowledge, this variant has not been reported in the published literature. It also has not been reported in large, multi-ethnic general populations (Genome Aggregation Database). Based on the available information, this variant is classified as likely pathogenic.